The following is an entry in ClinVar:

ClinVar aggregate classification (germline): Uncertain significance (1 of 4 stars; one submission).

Submission:

GeneDx
Classification: Uncertain significance. Last evaluated: 2024-06-26. Review status: criteria provided, single submitter. Criteria: GeneDx Variant Classification Process June 2021. Collection method: clinical testing. Allele origin: germline. Affected: yes.
Comment: Not observed at significant frequency in large population cohorts (gnomAD); In silico analysis supports that this missense variant has a deleterious effect on protein structure/function; Has not been previously published as pathogenic or benign to our knowledge

NM_032217.5(ANKRD17):c.2023G>T (p.Gly675Cys)

Gene: ANKRD17 (ankyrin repeat domain 17; minus strand). Cytogenetic location: 4q13.3.
Variant type: single nucleotide variant.
Coding change: c.2023G>T on transcript NM_032217.5 (MANE Select); coding-DNA position 2023, G replaced by T.
Protein change: p.Gly675Cys; replaces glycine 675 with cysteine.
Molecular consequence: missense variant.
Genome position (GRCh38, 1-based): chr4:73,142,702, C>A on the plus strand (G>T on the coding strand, the complement: ANKRD17 is on the minus strand). VCF-style: chr4-73142702-C-A. GRCh37 (hg19) VCF-style: chr4-74008419-C-A.
Other names: c.1684G>T, p.Gly562Cys (NM_001286771.3); c.2023G>T, p.Gly675Cys (NM_015574.2, NM_198889.3); short protein forms G562C, G675C.
Identifiers: ClinVar variation 3392927 (VCV003392927.1).